The following is an entry in ClinVar:

NM_024589.3(ROGDI):c.202A>C (p.Thr68Pro)

Gene: ROGDI (rogdi atypical leucine zipper; minus strand). Cytogenetic location: 16p13.3.
Variant type: single nucleotide variant.
Coding change: c.202A>C on transcript NM_024589.3 (MANE Select); coding-DNA position 202, A replaced by C.
Protein change: p.Thr68Pro; replaces threonine 68 with proline.
Molecular consequence: missense variant.
Genome position (GRCh38, 1-based): chr16:4,801,320, T>G on the plus strand (A>C on the coding strand, the complement: ROGDI is on the minus strand). VCF-style: chr16-4801320-T-G. GRCh37 (hg19) VCF-style: chr16-4851321-T-G.
Other names: p.Thr68Pro; c.202A>C (NM_024589.2); short protein forms T68P.
Identifiers: ClinVar variation 1025779 (VCV001025779.9), dbSNP rs2082713943, ClinGen allele CA394654972.
Genomic context (GRCh38, chr16:4,801,320, plus strand): 5'-GACTCACCGCCTGGCTGAGGGCATCCCCCTGCAGAGTCAGCACACCCTTCACCTGGTCTG[T>G]GCTGTAACATGTGGCGTCAGAGCGGTGCCTGTGGTCACCCCCCCACCACCCAGCCCTCCC-3'
Protein context (NP_078865.1, residues 58-78): QENFILGSCG[Thr68Pro]DQVKGVLTLQ

ClinVar aggregate classification (germline): Uncertain significance. Review status: criteria provided, multiple submitters, no conflicts (2 of 4 stars). 2 submissions from 2 submitters: Uncertain significance (2). Last evaluated 2025-09-22.

Conditions:
Amelocerebrohypohidrotic syndrome (KTZS). Also called: EPILEPSY AND YELLOW TEETH; EPILEPSY, DEMENTIA, AND AMELOGENESIS IMPERFECTA; KOHLSCHUTTER SYNDROME; Kohlschutter's syndrome. Identifiers: Orphanet 1946, MedGen C0406740, MONDO:0009185, OMIM 226750.

Submissions (2):

Mayo Clinic Laboratories, Mayo Clinic
Classification: Uncertain significance. Last evaluated: 2025-09-22. Review status: criteria provided, single submitter. Criteria: ACMG Guidelines, 2015. Collection method: clinical testing. Allele origin: germline. Observed: 1 variant allele.
Comment: BP4_moderate, PM2_supporting

Labcorp Genetics (formerly Invitae), Labcorp
Classification: Uncertain significance for Amelocerebrohypohidrotic syndrome. Last evaluated: 2023-08-24. Review status: criteria provided, single submitter. Criteria: Invitae Variant Classification Sherloc (09022015). Collection method: clinical testing. Allele origin: germline.
Comment: In summary, the available evidence is currently insufficient to determine the role of this variant in disease. Therefore, it has been classified as a Variant of Uncertain Significance. Algorithms developed to predict the effect of sequence changes on RNA splicing suggest that this variant may disrupt the consensus splice site. An algorithm developed to predict the effect of missense changes on protein structure and function (PolyPhen-2) suggests that this variant is likely to be tolerated. ClinVar contains an entry for this variant (Variation ID: 1025779). This variant has not been reported in the literature in individuals affected with ROGDI-related conditions. This variant is not present in population databases (gnomAD no frequency). This sequence change replaces threonine, which is neutral and polar, with proline, which is neutral and non-polar, at codon 68 of the ROGDI protein (p.Thr68Pro).